The following is an entry in ClinVar:

NM_003793.4(CTSF):c.956C>T (p.Ser319Phe)

Gene: CTSF (cathepsin F; minus strand). Cytogenetic location: 11q13.2.
Variant type: single nucleotide variant.
Coding change: c.956C>T on transcript NM_003793.4 (MANE Select); coding-DNA position 956, C replaced by T.
Protein change: p.Ser319Phe; replaces serine 319 with phenylalanine.
Molecular consequence: missense variant.
Genome position (GRCh38, 1-based): chr11:66,565,839, G>A on the plus strand (C>T on the coding strand, the complement: CTSF is on the minus strand). VCF-style: chr11-66565839-G-A. GRCh37 (hg19) VCF-style: chr11-66333310-G-A.
Other names: short protein forms S319F.
Identifiers: ClinVar variation 1978417 (VCV001978417.4), dbSNP rs1857917060, ClinGen allele CA381460671.

ClinVar aggregate classification (germline): Uncertain significance (1 of 4 stars; one submission).

Conditions:
Neuronal ceroid lipofuscinosis 13 (CLN13). Also called: CEROID LIPOFUSCINOSIS, NEURONAL, 13 (KUFS TYPE); CLN13 Disease. Identifiers: Orphanet 352709, Orphanet 79262, MedGen C3715049, MONDO:0014147, OMIM 615362.

Allele frequency attached by ClinVar (database versions not stated): gnomAD exomes below 0.00001; TOPMed below 0.00001; gnomAD 0.00001.
gnomAD v4.1: 5 of 1,613,826 alleles (0.00031%); highest among the groups gnomAD compares: South Asian, 0.0022%; no homozygotes.

Submission:

Labcorp Genetics (formerly Invitae), Labcorp
Classification: Uncertain significance for Neuronal ceroid lipofuscinosis 13. Last evaluated: 2024-11-11. Review status: criteria provided, single submitter. Criteria: Invitae Variant Classification Sherloc (09022015). Collection method: clinical testing. Allele origin: germline.
Comment: This sequence change replaces serine, which is neutral and polar, with phenylalanine, which is neutral and non-polar, at codon 319 of the CTSF protein (p.Ser319Phe). This variant is not present in population databases (gnomAD no frequency). This variant has not been reported in the literature in individuals affected with CTSF-related conditions. ClinVar contains an entry for this variant (Variation ID: 1978417). Invitae Evidence Modeling of protein sequence and biophysical properties (such as structural, functional, and spatial information, amino acid conservation, physicochemical variation, residue mobility, and thermodynamic stability) indicates that this missense variant is expected to disrupt CTSF protein function with a positive predictive value of 80%. In summary, the available evidence is currently insufficient to determine the role of this variant in disease. Therefore, it has been classified as a Variant of Uncertain Significance.